The following is an entry in ClinVar:

ClinVar aggregate classification (germline): Pathogenic (1 of 4 stars; one submission).

Conditions:
Autosomal recessive polycystic kidney disease (ARPKD). Also called: AR polycystic kidney disease. Identifiers: Orphanet 731, Orphanet 8378, MedGen C0085548, MeSH D017044, MONDO:0009889.

Submission:

Labcorp Genetics (formerly Invitae), Labcorp
Classification: Pathogenic for Autosomal recessive polycystic kidney disease. Last evaluated: 2022-04-14. Review status: criteria provided, single submitter. Criteria: Invitae Variant Classification Sherloc (09022015). Collection method: clinical testing. Allele origin: germline.
Comment: For these reasons, this variant has been classified as Pathogenic. This variant has not been reported in the literature in individuals affected with PKHD1-related conditions. This variant is not present in population databases (gnomAD no frequency). This sequence change creates a premature translational stop signal (p.Val2132Cysfs*16) in the PKHD1 gene. It is expected to result in an absent or disrupted protein product. Loss-of-function variants in PKHD1 are known to be pathogenic (PMID: 19940839).

Literature cited by the submitters: PubMed 19940839.

NM_138694.4(PKHD1):c.6392dup (p.Val2132fs)

Gene: PKHD1 (PKHD1 ciliary IPT domain containing fibrocystin/polyductin; minus strand). Cytogenetic location: 6p12.2.
Variant type: Duplication.
Coding change: c.6392dup on transcript NM_138694.4 (MANE Select); coding-DNA position 6392, one base duplicated (C; older notation c.6392dupC).
Protein change: p.Val2132fs; shifts the reading frame from valine 2132.
Molecular consequence: frameshift variant.
Genome position (GRCh38, 1-based): chr6:51,911,897, G duplicated on the plus strand (C on the coding strand, the reverse complement: PKHD1 is on the minus strand). VCF-style (leftmost placement, unchanged base first): chr6-51911896-A-AG. GRCh37 (hg19) VCF-style: chr6-51776694-A-AG.
Other names: c.6392dup, p.Val2132fs (NM_170724.3); short protein forms V2132fs.
Identifiers: ClinVar variation 1456049 (VCV001456049.6), dbSNP rs2127664245, ClinGen allele CA2573140904.